The following is an entry in ClinVar:

ClinVar aggregate classification (germline): Uncertain significance. Review status: criteria provided, multiple submitters, no conflicts (2 of 4 stars). 2 submissions from 2 submitters: Uncertain significance (2). Last evaluated 2024-09-29.

Conditions:
Severe early-onset pulmonary alveolar proteinosis due to MARS deficiency. Also called: PULMONARY ALVEOLAR PROTEINOSIS, REUNION ISLAND; Interstitial lung and liver disease. Identifiers: Orphanet 440427, MedGen C4225400, MONDO:0014206, OMIM 615486.
Charcot-Marie-Tooth disease axonal type 2U. Also called: CHARCOT-MARIE-TOOTH NEUROPATHY, TYPE 2U; CHARCOT-MARIE-TOOTH DISEASE, AXONAL, AUTOSOMAL DOMINANT, TYPE 2U. Identifiers: Orphanet 397735, MedGen C4084821, MONDO:0014566, OMIM 616280.

Submissions (2):

Labcorp Genetics (formerly Invitae), Labcorp
Classification: Uncertain significance for Charcot-Marie-Tooth disease axonal type 2U; Severe early-onset pulmonary alveolar proteinosis due to MARS deficiency. Last evaluated: 2024-09-29. Review status: criteria provided, single submitter. Criteria: Invitae Variant Classification Sherloc (09022015). Collection method: clinical testing. Allele origin: germline.
Comment: This sequence change creates a premature translational stop signal (p.Ala870Leufs*10) in the MARS gene. While this is not anticipated to result in nonsense mediated decay, it is expected to disrupt the last 31 amino acid(s) of the MARS protein. This variant is not present in population databases (gnomAD no frequency). This variant has not been reported in the literature in individuals affected with MARS-related conditions. ClinVar contains an entry for this variant (Variation ID: 1799862). In summary, the available evidence is currently insufficient to determine the role of this variant in disease. Therefore, it has been classified as a Variant of Uncertain Significance.

Ambry Genetics
Classification: Uncertain significance. Last evaluated: 2021-10-12. Review status: criteria provided, single submitter. Criteria: Ambry Variant Classification Scheme 2023. Collection method: clinical testing. Allele origin: germline.
Comment: The c.2607delT variant, located in coding exon 21 of the MARS gene, results from a deletion of one nucleotide at nucleotide position 2607, causing a translational frameshift with a predicted alternate stop codon (p.A870Lfs*10). This alteration occurs at the 3' terminus of theMARS gene, is not expected to trigger nonsense-mediated mRNAdecay, and only impacts the last 3% of the protein. The exact functional effect of this alteration is unknown. Since supporting evidence is limited at this time, the clinical significance of this alteration remains unclear.

NM_004990.4(MARS1):c.2607del (p.Ala870fs)

Gene: MARS1 (methionyl-tRNA synthetase 1; plus strand). Cytogenetic location: 12q13.3.
Variant type: Deletion.
Coding change: c.2607del on transcript NM_004990.4 (MANE Select); coding-DNA position 2607, one base deleted (T; older notation c.2607delT).
Protein change: p.Ala870fs; shifts the reading frame from alanine 870.
Molecular consequence: frameshift variant.
Genome position (GRCh38, 1-based): chr12:57,516,485, T deleted; the last of 2 consecutive T bases (chr12:57,516,484-57,516,485); deleting either gives the same sequence. VCF-style (leftmost placement, unchanged base first): chr12-57516483-GT-G. GRCh37 (hg19) VCF-style: chr12-57910266-GT-G.
Other names: short protein forms A870fs.
Identifiers: ClinVar variation 1799862 (VCV001799862.7), dbSNP rs2540323578, ClinGen allele CA2575203078.
Genomic context (GRCh38, chr12:57,516,483, plus strand): 5'-CCTTTATCTTAGGGAAACATTGTCCGAGAACTGAAAGCACAAAAGGCAGACAAGAACGAG[GT>G]TGCTGCGGAGGTGGCGAAACTCTTGGATCTAAAGAAACAGTTGGCTGTAGCTGAGGGGAA-3'